The following is an entry in ClinVar:

ClinVar aggregate classification (germline): Uncertain significance. Review status: criteria provided, multiple submitters, no conflicts (2 of 4 stars). 2 submissions from 2 submitters: Uncertain significance (2). Last evaluated 2022-06-19.

Conditions:
Charcot-Marie-Tooth disease type 4. Also called: Charcot-Marie-Tooth disease, type IV; Charcot-Marie-Tooth, Type 4. Identifiers: Orphanet 64749, MedGen C4082197, MONDO:0018995.

Allele frequency attached by ClinVar (database versions not stated): gnomAD exomes 0.00001.
gnomAD v4.1: 4 of 1,611,960 alleles (0.00025%); highest among the groups gnomAD compares: South Asian, 0.0033%; no homozygotes.

Submissions (2):

Labcorp Genetics (formerly Invitae), Labcorp
Classification: Uncertain significance for Charcot-Marie-Tooth disease type 4. Last evaluated: 2022-06-19. Review status: criteria provided, single submitter. Criteria: Invitae Variant Classification Sherloc (09022015). Collection method: clinical testing. Allele origin: germline.
Comment: ClinVar contains an entry for this variant (Variation ID: 994926). This sequence change replaces proline, which is neutral and non-polar, with serine, which is neutral and polar, at codon 1214 of the PRX protein (p.Pro1214Ser). This variant is present in population databases (no rsID available, gnomAD 0.003%). This variant has not been reported in the literature in individuals affected with PRX-related conditions. Algorithms developed to predict the effect of missense changes on protein structure and function (SIFT, PolyPhen-2, Align-GVGD) all suggest that this variant is likely to be disruptive. In summary, the available evidence is currently insufficient to determine the role of this variant in disease. Therefore, it has been classified as a Variant of Uncertain Significance.

Athena Diagnostics
Classification: Uncertain significance. Last evaluated: 2020-02-19. Review status: criteria provided, single submitter. Criteria: Athena Diagnostics Criteria. Collection method: clinical testing. Allele origin: unknown.

NM_181882.3(PRX):c.3640C>T (p.Pro1214Ser)

Gene: PRX (periaxin; minus strand). Cytogenetic location: 19q13.2.
Variant type: single nucleotide variant.
Coding change: c.3640C>T on transcript NM_181882.3 (MANE Select); coding-DNA position 3640, C replaced by T.
Protein change: p.Pro1214Ser; replaces proline 1214 with serine.
Molecular consequence: missense variant. On other transcripts: 3 prime UTR variant (1).
Genome position (GRCh38, 1-based): chr19:40,394,712, G>A on the plus strand (C>T on the coding strand, the complement: PRX is on the minus strand). VCF-style: chr19-40394712-G-A. GRCh37 (hg19) VCF-style: chr19-40900619-G-A.
Other names: c.*3845C>T (NM_020956.2); short protein forms P1214S.
Identifiers: ClinVar variation 994926 (VCV000994926.5), dbSNP rs1303392170, ClinGen allele CA405892916.
Genomic context (GRCh38, chr19:40,394,712, plus strand): 5'-CCGCCTGTGCCTCTCGGCTTAGCCCCACGTCCAGCTCAAGCTGGGGCACTGTCACGGTGG[G>A]CATCTTAAAGACACCCTCACCCACCAGCAGCTCACCACCTGCAACCTGGGCTCCAGGCAG-3'
Protein context (NP_870998.2, residues 1204-1224): LLVGEGVFKM[Pro1214Ser]TVTVPQLELD